The following is an entry in ClinVar:

NM_005026.5(PIK3CD):c.421G>A (p.Ala141Thr)

Gene: PIK3CD (phosphatidylinositol-4,5-bisphosphate 3-kinase catalytic subunit delta; plus strand). Cytogenetic location: 1p36.22.
Variant type: single nucleotide variant.
Coding change: c.421G>A on transcript NM_005026.5 (MANE Select); coding-DNA position 421, G replaced by A.
Protein change: p.Ala141Thr; replaces alanine 141 with threonine.
Molecular consequence: missense variant.
Genome position (GRCh38, 1-based): chr1:9,715,899, G>A. VCF-style: chr1-9715899-G-A. GRCh37 (hg19) VCF-style: chr1-9775957-G-A.
Other names: c.421G>A, p.Ala141Thr (NM_001350234.2, NM_001350235.1); short protein forms A141T.
Identifiers: ClinVar variation 3701901 (VCV003701901.2).

ClinVar aggregate classification (germline): Uncertain significance (1 of 4 stars; one submission).

Conditions:
Immunodeficiency 14 (IMD14A). Also called: IMMUNODEFICIENCY 14A WITH LYMPHOPROLIFERATION, AUTOSOMAL DOMINANT; p110-DELTA-ACTIVATING MUTATION CAUSING SENESCENT T CELLS, LYMPHADENOPATHY, AND IMMUNODEFICIENCY; ACTIVATED PI3K-DELTA SYNDROME 1; Activated PI3K Delta Syndrome Type 1 (APDS1). Identifiers: Orphanet 397596, Orphanet 693661, MedGen C5907821, MONDO:0014222, OMIM 615513.

gnomAD v4.1: 17 of 1,612,370 alleles (0.0011%); highest among the groups gnomAD compares: East Asian, 0.0067%; no homozygotes.

Submission:

Labcorp Genetics (formerly Invitae), Labcorp
Classification: Uncertain significance for Activated PI3K-delta syndrome. Last evaluated: 2024-03-10. Review status: criteria provided, single submitter. Criteria: Invitae Variant Classification Sherloc (09022015). Collection method: clinical testing. Allele origin: germline.
Comment: This sequence change replaces alanine, which is neutral and non-polar, with threonine, which is neutral and polar, at codon 141 of the PIK3CD protein (p.Ala141Thr). The frequency data for this variant in the population databases is considered unreliable, as metrics indicate poor data quality at this position in the gnomAD database. This variant has not been reported in the literature in individuals affected with PIK3CD-related conditions. Advanced modeling of protein sequence and biophysical properties (such as structural, functional, and spatial information, amino acid conservation, physicochemical variation, residue mobility, and thermodynamic stability) performed at Invitae indicates that this missense variant is not expected to disrupt PIK3CD protein function with a negative predictive value of 80%. In summary, the available evidence is currently insufficient to determine the role of this variant in disease. Therefore, it has been classified as a Variant of Uncertain Significance.